The following is an entry in ClinVar:

ClinVar aggregate classification (germline): Uncertain significance. Review status: criteria provided, multiple submitters, no conflicts (2 of 4 stars). 4 submissions from 4 submitters: Uncertain significance (4). Last evaluated 2025-01-22.

Conditions:
Hypercholesterolemia, autosomal dominant, 3 (FHCL3). Also called: Familial Hypercholesterolemia, Autosomal Dominant, 3; PCSK9-Related Familial Hypercholesterolemia, Autosomal Dominant; Familial hypercholesterolemia 3. Identifiers: MedGen C1863551, MONDO:0011369, OMIM 603776.
Familial hypercholesterolemia. Also called: Familial hypercholesterolemias; Familial hypercholesterolaemia. Identifiers: MedGen C0020445, MONDO:0005439.

Allele frequency attached by ClinVar (database versions not stated): gnomAD exomes 0.00001 and 0.00002; TOPMed 0.00002; ExAC 0.00003; gnomAD 0.00003; ESP Exome Variant Server 0.00008.

Submissions (4):

Labcorp Genetics (formerly Invitae), Labcorp
Classification: Uncertain significance for Hypercholesterolemia, autosomal dominant, 3. Last evaluated: 2025-01-22. Review status: criteria provided, single submitter. Criteria: Invitae Variant Classification Sherloc (09022015). Collection method: clinical testing. Allele origin: germline.
Comment: This sequence change replaces valine, which is neutral and non-polar, with methionine, which is neutral and non-polar, at codon 241 of the PCSK9 protein (p.Val241Met). This variant is present in population databases (rs147478188, gnomAD 0.006%). This missense change has been observed in individual(s) with low LDL-C levels (PMID: 24507775). ClinVar contains an entry for this variant (Variation ID: 630150). Invitae Evidence Modeling of protein sequence and biophysical properties (such as structural, functional, and spatial information, amino acid conservation, physicochemical variation, residue mobility, and thermodynamic stability) indicates that this missense variant is expected to disrupt PCSK9 protein function with a positive predictive value of 80%. In summary, the available evidence is currently insufficient to determine the role of this variant in disease. Therefore, it has been classified as a Variant of Uncertain Significance.

Color Diagnostics, LLC DBA Color Health
Classification: Uncertain significance for Familial hypercholesterolemia. Last evaluated: 2024-04-29. Review status: criteria provided, single submitter. Criteria: ACMG Guidelines, 2015. Collection method: clinical testing. Allele origin: germline.
Comment: This missense variant replaces valine with methionine at codon 241 of the PCSK9 protein. Computational prediction tools indicate that this variant has a deleterious impact on protein structure and function. To our knowledge, functional studies have not been reported for this variant. This variant has not been reported in individuals affected with PCSK9-related disorders in the literature; it has been reported in one individual with very low circulating LDL-C (PMID: 24507775). This variant has been identified in 5/249048 chromosomes in the general population by the Genome Aggregation Database (gnomAD). The available evidence is insufficient to determine the role of this variant in disease conclusively. Therefore, this variant is classified as a Variant of Uncertain Significance.

All of Us Research Program, National Institutes of Health
Classification: Uncertain significance for Hypercholesterolemia, autosomal dominant, 3. Last evaluated: 2024-03-14. Review status: criteria provided, single submitter. Criteria: ACMG Guidelines, 2015. Collection method: clinical testing. Allele origin: germline. Inheritance: Autosomal dominant inheritance. Observed: 4 variant alleles, 4 heterozygotes.
Comment: This missense variant replaces valine with methionine at codon 241 of the PCSK9 protein. Computational prediction suggests that this variant may have a deleterious impact on protein structure and function (internally defined REVEL score threshold >= 0.7, PMID: 27666373). To our knowledge, functional studies have not been reported for this variant. This variant has not been reported in individuals affected with PCSK9-related disorders in the literature; it has been reported in an individual with very circulating LDL-C (PMID: 24507775). This variant has been identified in 5/249048 chromosomes in the general population by the Genome Aggregation Database (gnomAD). The available evidence is insufficient to determine the role of this variant in disease conclusively. Therefore, this variant is classified as a Variant of Uncertain Significance.

This study involves interpretation of variants in research participants for the purpose of population health screening. Participant phenotype was not available at the time of variant classification. Additional details can be found in publication PMID: 35346344, PMCID: PMC8962531

Fulgent Genetics
Classification: Uncertain significance for Hypercholesterolemia, autosomal dominant, 3. Last evaluated: 2022-02-17. Review status: criteria provided, single submitter. Criteria: ACMG Guidelines, 2015. Collection method: clinical testing. Allele origin: unknown.

Literature cited by the submitters: PubMed 24507775 (cited by 3 submitters).

NM_174936.4(PCSK9):c.721G>A (p.Val241Met)

Gene: PCSK9 (proprotein convertase subtilisin/kexin type 9; plus strand). Cytogenetic location: 1p32.3.
Variant type: single nucleotide variant.
Coding change: c.721G>A on transcript NM_174936.4 (MANE Select); coding-DNA position 721, G replaced by A.
Protein change: p.Val241Met; replaces valine 241 with methionine.
Molecular consequence: missense variant.
Genome position (GRCh38, 1-based): chr1:55,052,713, G>A. VCF-style: chr1-55052713-G-A. GRCh37 (hg19) VCF-style: chr1-55518386-G-A.
Other names: c.844G>A, p.Val282Met (NM_001407240.1); c.721G>A, p.Val241Met (NM_001407241.1, NM_001407244.1, NM_001407247.1); c.724G>A, p.Val242Met (NM_001407242.1); c.664G>A, p.Val222Met (NM_001407243.1); c.529G>A, p.Val177Met (NM_001407245.1); c.346G>A, p.Val116Met (NM_001407246.1); short protein forms V241M, V222M, V282M, V116M, V177M, V242M.
Identifiers: ClinVar variation 630150 (VCV000630150.18), dbSNP rs147478188, ClinGen allele CA044168.
Genomic context (GRCh38, chr1:55,052,713, plus strand): 5'-AGCAAGTGTGACAGTCATGGCACCCACCTGGCAGGGGTGGTCAGCGGCCGGGATGCCGGC[G>A]TGGCCAAGGGTGCCAGCATGCGCAGCCTGCGCGTGCTCAACTGCCAAGGGAAGGGCACGG-3'
Protein context (NP_777596.2, residues 231-251): AGVVSGRDAG[Val241Met]AKGASMRSLR